The following is an entry in ClinVar:

NM_005529.7(HSPG2):c.9313A>G (p.Asn3105Asp)

Gene: HSPG2 (heparan sulfate proteoglycan 2; minus strand). Cytogenetic location: 1p36.12.
Variant type: single nucleotide variant.
Coding change: c.9313A>G on transcript NM_005529.7 (MANE Select); coding-DNA position 9313, A replaced by G.
Protein change: p.Asn3105Asp; replaces asparagine 3105 with aspartic acid.
Molecular consequence: missense variant.
Genome position (GRCh38, 1-based): chr1:21,841,554, T>C on the plus strand (A>G on the coding strand, the complement: HSPG2 is on the minus strand). VCF-style: chr1-21841554-T-C. GRCh37 (hg19) VCF-style: chr1-22168047-T-C.
Other names: c.9316A>G, p.Asn3106Asp (NM_001291860.2); short protein forms N3105D, N3106D.
Identifiers: ClinVar variation 2634696 (VCV002634696.1), dbSNP rs771851950, ClinGen allele CA670491.

ClinVar aggregate classification (germline): Uncertain significance (1 of 4 stars; one submission).

Conditions:
HSPG2-related disorder. Also called: HSPG2-related condition; HSPG2-related disorders.

Allele frequency attached by ClinVar (database versions not stated): ExAC 0.00001; gnomAD 0.00001; gnomAD exomes 0.00001; TOPMed 0.00001.
gnomAD v4.1: 22 of 1,614,110 alleles (0.0014%); highest among the groups gnomAD compares: Non-Finnish European, 0.0017%; no homozygotes.

Submission:

PreventionGenetics, part of Exact Sciences
Classification: Uncertain significance for HSPG2-related condition. Last evaluated: 2023-07-27. Review status: criteria provided, single submitter. Criteria: ACMG Guidelines, 2015. Collection method: clinical testing. Allele origin: germline.
Comment: The HSPG2 c.9313A>G variant is predicted to result in the amino acid substitution p.Asn3105Asp. To our knowledge, this variant has not been reported in the literature. This variant is reported in 0.0026% of alleles in individuals of European (Non-Finnish) descent in gnomAD. At this time, the clinical significance of this variant is uncertain due to the absence of conclusive functional and genetic evidence.